The following is an entry in ClinVar:

ClinVar aggregate classification (germline): Uncertain significance (1 of 4 stars; one submission).

Conditions:
Severe combined immunodeficiency due to DNA-PKcs deficiency. Also called: IMMUNODEFICIENCY 26 WITH NEUROLOGIC ABNORMALITIES; Immunodeficiency 26 with or without neurologic abnormalities. Identifiers: Orphanet 317425, MedGen C4014833, MONDO:0014423, OMIM 615966.

Allele frequency attached by ClinVar (database versions not stated): gnomAD exomes 0.00005 and 0.00008; ExAC 0.00006; gnomAD 0.00006 and 0.00008; TOPMed 0.00008.
gnomAD v4.1: 130 of 1,611,368 alleles (0.0081%); highest among the groups gnomAD compares: Non-Finnish European, 0.01%; no homozygotes.

Submission:

Labcorp Genetics (formerly Invitae), Labcorp
Classification: Uncertain significance for Severe combined immunodeficiency due to DNA-PKcs deficiency. Last evaluated: 2024-10-16. Review status: criteria provided, single submitter. Criteria: Invitae Variant Classification Sherloc (09022015). Collection method: clinical testing. Allele origin: germline.
Comment: This sequence change replaces proline, which is neutral and non-polar, with serine, which is neutral and polar, at codon 2487 of the PRKDC protein (p.Pro2487Ser). This variant is present in population databases (rs760340924, gnomAD 0.01%). This variant has not been reported in the literature in individuals affected with PRKDC-related conditions. ClinVar contains an entry for this variant (Variation ID: 842738). Invitae Evidence Modeling of protein sequence and biophysical properties (such as structural, functional, and spatial information, amino acid conservation, physicochemical variation, residue mobility, and thermodynamic stability) indicates that this missense variant is not expected to disrupt PRKDC protein function with a negative predictive value of 80%. In summary, the available evidence is currently insufficient to determine the role of this variant in disease. Therefore, it has been classified as a Variant of Uncertain Significance.

NM_006904.7(PRKDC):c.7459C>T (p.Pro2487Ser)

Gene: PRKDC (protein kinase, DNA-activated, catalytic subunit; minus strand). Cytogenetic location: 8q11.21.
Variant type: single nucleotide variant.
Coding change: c.7459C>T on transcript NM_006904.7 (MANE Select); coding-DNA position 7459, C replaced by T.
Protein change: p.Pro2487Ser; replaces proline 2487 with serine.
Molecular consequence: missense variant.
Genome position (GRCh38, 1-based): chr8:47,839,242, G>A on the plus strand (C>T on the coding strand, the complement: PRKDC is on the minus strand). VCF-style: chr8-47839242-G-A. GRCh37 (hg19) VCF-style: chr8-48751803-G-A.
Other names: c.7459C>T, p.Pro2487Ser (NM_001081640.2); short protein forms P2487S.
Identifiers: ClinVar variation 842738 (VCV000842738.6), dbSNP rs760340924, ClinGen allele CA4740101.